The following is an entry in ClinVar:

NM_001243279.3(ACSF3):c.1183del (p.Gln395fs)

Gene: ACSF3 (acyl-CoA synthetase family member 3; plus strand). Cytogenetic location: 16q24.3.
Variant type: Deletion.
Coding change: c.1183del on transcript NM_001243279.3 (MANE Select); coding-DNA position 1183, one base deleted (C; older notation c.1183delC).
Protein change: p.Gln395fs; shifts the reading frame from glutamine 395.
Molecular consequence: frameshift variant. On other transcripts: non-coding transcript variant (3).
Genome position (GRCh38, 1-based): chr16:89,120,857, C deleted. VCF-style (leftmost placement, unchanged base first): chr16-89120856-AC-A. GRCh37 (hg19) VCF-style: chr16-89187264-AC-A.
Other names: c.1183del, p.Gln395fs (NM_001127214.4, NM_174917.5); c.388del, p.Gln130fs (NM_001284316.2); short protein forms Q395fs, Q130fs.
Identifiers: ClinVar variation 2027064 (VCV002027064.4), dbSNP rs2543678155, ClinGen allele CA2580092245.

ClinVar aggregate classification (germline): Pathogenic (1 of 4 stars; one submission).

Conditions:
Combined malonic and methylmalonic acidemia. Identifiers: Orphanet 289504, MedGen C3280314, MONDO:0013661, OMIM 614265.

Submission:

Labcorp Genetics (formerly Invitae), Labcorp
Classification: Pathogenic for Combined malonic and methylmalonic acidemia. Last evaluated: 2022-08-25. Review status: criteria provided, single submitter. Criteria: Invitae Variant Classification Sherloc (09022015). Collection method: clinical testing. Allele origin: germline.
Comment: For these reasons, this variant has been classified as Pathogenic. This variant has not been reported in the literature in individuals affected with ACSF3-related conditions. This variant is not present in population databases (gnomAD no frequency). This sequence change creates a premature translational stop signal (p.Gln395Argfs*20) in the ACSF3 gene. It is expected to result in an absent or disrupted protein product. Loss-of-function variants in ACSF3 are known to be pathogenic (PMID: 21841779, 26827111).

Literature cited by the submitters: PubMed 21841779; PubMed 26827111.